The following is an entry in ClinVar:

ClinVar aggregate classification (germline): Uncertain significance (1 of 4 stars; one submission).

Allele frequency attached by ClinVar (database versions not stated): gnomAD exomes 0.00001; TOPMed 0.00001.
gnomAD v4.1: 8 of 1,613,998 alleles (0.0005%); highest among the groups gnomAD compares: Non-Finnish European, 0.00068%; no homozygotes.

Submission:

Labcorp Genetics (formerly Invitae), Labcorp
Classification: Uncertain significance. Last evaluated: 2023-11-04. Review status: criteria provided, single submitter. Criteria: Invitae Variant Classification Sherloc (09022015). Collection method: clinical testing. Allele origin: germline.
Comment: This sequence change replaces aspartic acid, which is acidic and polar, with valine, which is neutral and non-polar, at codon 640 of the C1S protein (p.Asp640Val). This variant is present in population databases (no rsID available, gnomAD 0.0009%). This variant has not been reported in the literature in individuals affected with C1S-related conditions. ClinVar contains an entry for this variant (Variation ID: 1718449). Advanced modeling of protein sequence and biophysical properties (such as structural, functional, and spatial information, amino acid conservation, physicochemical variation, residue mobility, and thermodynamic stability) performed at Invitae indicates that this missense variant is not expected to disrupt C1S protein function with a negative predictive value of 80%. In summary, the available evidence is currently insufficient to determine the role of this variant in disease. Therefore, it has been classified as a Variant of Uncertain Significance.

NM_001734.5(C1S):c.1919A>T (p.Asp640Val)

Gene: C1S (complement C1s; plus strand). Cytogenetic location: 12p13.31.
Variant type: single nucleotide variant.
Coding change: c.1919A>T on transcript NM_001734.5 (MANE Select); coding-DNA position 1919, A replaced by T.
Protein change: p.Asp640Val; replaces aspartic acid 640 with valine.
Molecular consequence: missense variant.
Genome position (GRCh38, 1-based): chr12:7,070,503, A>T. VCF-style: chr12-7070503-A-T. GRCh37 (hg19) VCF-style: chr12-7177807-A-T.
Other names: c.1418A>T, p.Asp473Val (NM_001346850.2); c.1919A>T, p.Asp640Val (NM_201442.4); short protein forms D473V, D640V.
Identifiers: ClinVar variation 1718449 (VCV001718449.5), dbSNP rs1475213307, ClinGen allele CA383708205.